The following is an entry in ClinVar:

NM_002439.5(MSH3):c.2500A>G (p.Ile834Val)

Gene: MSH3 (mutS homolog 3; plus strand). Cytogenetic location: 5q14.1.
Variant type: single nucleotide variant.
Coding change: c.2500A>G on transcript NM_002439.5 (MANE Select); coding-DNA position 2500, A replaced by G.
Protein change: p.Ile834Val; replaces isoleucine 834 with valine.
Molecular consequence: missense variant.
Genome position (GRCh38, 1-based): chr5:80,787,629, A>G. VCF-style: chr5-80787629-A-G. GRCh37 (hg19) VCF-style: chr5-80083448-A-G.
Other names: c.2500A>G (NM_002439.3); short protein forms I834V.
Identifiers: ClinVar variation 1444740 (VCV001444740.10), dbSNP rs2112020312, ClinGen allele CA360283281.

ClinVar aggregate classification (germline): Uncertain significance. Review status: criteria provided, multiple submitters, no conflicts (2 of 4 stars). 2 submissions from 2 submitters: Uncertain significance (2). Last evaluated 2025-12-13.

Conditions:
Hereditary cancer-predisposing syndrome. Also called: Tumor predisposition; Hereditary Cancer Syndrome; Hereditary neoplastic syndrome; Neoplastic Syndromes, Hereditary. Identifiers: Orphanet 140162, MedGen C0027672, MeSH D009386, MONDO:0015356.

Submissions (2):

Ambry Genetics
Classification: Uncertain significance for Hereditary cancer-predisposing syndrome. Last evaluated: 2025-12-13. Review status: criteria provided, single submitter. Criteria: Ambry Variant Classification Scheme 2023. Collection method: clinical testing. Allele origin: germline.
Comment: The p.I834V variant (also known as c.2500A>G), located in coding exon 18 of the MSH3 gene, results from an A to G substitution at nucleotide position 2500. The isoleucine at codon 834 is replaced by valine, an amino acid with highly similar properties. This amino acid position is conserved. In addition, the in silico prediction for this alteration is inconclusive. Since supporting evidence is limited at this time, the clinical significance of this alteration remains unclear.

Labcorp Genetics (formerly Invitae), Labcorp
Classification: Uncertain significance. Last evaluated: 2021-04-21. Review status: criteria provided, single submitter. Criteria: Invitae Variant Classification Sherloc (09022015). Collection method: clinical testing. Allele origin: germline.
Comment: Algorithms developed to predict the effect of missense changes on protein structure and function are either unavailable or do not agree on the potential impact of this missense change (SIFT: "Deleterious"; PolyPhen-2: "Possibly Damaging"; Align-GVGD: "Class C0"). In summary, the available evidence is currently insufficient to determine the role of this variant in disease. Therefore, it has been classified as a Variant of Uncertain Significance. This variant has not been reported in the literature in individuals with MSH3-related conditions. This variant is not present in population databases (ExAC no frequency). This sequence change replaces isoleucine with valine at codon 834 of the MSH3 protein (p.Ile834Val). The isoleucine residue is highly conserved and there is a small physicochemical difference between isoleucine and valine.